The following is an entry in ClinVar:

ClinVar aggregate classification (germline): Uncertain significance. Review status: criteria provided, multiple submitters, no conflicts (2 of 4 stars). 2 submissions from 2 submitters: Uncertain significance (2). Last evaluated 2025-06-05.

Conditions:
Neurofibromatosis, type 1 (NF1). Also called: Peripheral type neurofibromatosis; VON RECKLINGHAUSEN DISEASE; Neurofibromatosis, type I; NEUROFIBROMATOSIS, TYPE I, SOMATIC. Identifiers: Orphanet 636, MedGen C0027831, MONDO:0018975, OMIM 162200. Disease mechanism: loss of function.
Cardiovascular phenotype. Identifiers: MedGen CN230736.
Hereditary cancer-predisposing syndrome. Also called: Hereditary neoplastic syndrome; Neoplastic Syndromes, Hereditary; Hereditary Cancer Syndrome; Tumor predisposition. Identifiers: Orphanet 140162, MedGen C0027672, MeSH D009386, MONDO:0015356.

Submissions (2):

Ambry Genetics
Classification: Uncertain significance for Cardiovascular phenotype; Hereditary cancer-predisposing syndrome. Last evaluated: 2025-06-05. Review status: criteria provided, single submitter. Criteria: Ambry Variant Classification Scheme 2023. Collection method: clinical testing. Allele origin: germline.
Comment: The p.L1045P variant (also known as c.3134T>C), located in coding exon 24 of the NF1 gene, results from a T to C substitution at nucleotide position 3134. The leucine at codon 1045 is replaced by proline, an amino acid with similar properties. This alteration has been reported in a neurofibromatosis type 1 (NF1) cohort; however, clinical details were limited (Pasmant E et al. Eur J Hum Genet, 2015 May;23:596-601). This amino acid position is highly conserved in available vertebrate species. In addition, the in silico prediction for this alteration is inconclusive. Based on the available evidence, the clinical significance of this variant remains unclear.

Labcorp Genetics (formerly Invitae), Labcorp
Classification: Uncertain significance for Neurofibromatosis, type 1. Last evaluated: 2025-04-29. Review status: criteria provided, single submitter. Criteria: Invitae Variant Classification Sherloc (09022015). Collection method: clinical testing. Allele origin: germline.
Comment: This sequence change replaces leucine, which is neutral and non-polar, with proline, which is neutral and non-polar, at codon 1045 of the NF1 protein (p.Leu1045Pro). This variant is not present in population databases (gnomAD no frequency). This variant has not been reported in the literature in individuals affected with NF1-related conditions. ClinVar contains an entry for this variant (Variation ID: 568810). Invitae Evidence Modeling of protein sequence and biophysical properties (such as structural, functional, and spatial information, amino acid conservation, physicochemical variation, residue mobility, and thermodynamic stability) indicates that this missense variant is expected to disrupt NF1 protein function with a positive predictive value of 95%. In summary, the available evidence is currently insufficient to determine the role of this variant in disease. Therefore, it has been classified as a Variant of Uncertain Significance.

Literature cited by the submitters: PubMed 25074460 (cited by Ambry Genetics).

NM_001042492.3(NF1):c.3134T>C (p.Leu1045Pro)

Gene: NF1 (neurofibromin 1; plus strand). Cytogenetic location: 17q11.2.
Variant type: single nucleotide variant.
Coding change: c.3134T>C on transcript NM_001042492.3 (MANE Select); coding-DNA position 3134, T replaced by C.
Protein change: p.Leu1045Pro; replaces leucine 1045 with proline.
Molecular consequence: missense variant.
Genome position (GRCh38, 1-based): chr17:31,230,862, T>C. VCF-style: chr17-31230862-T-C. GRCh37 (hg19) VCF-style: chr17-29557880-T-C.
Other names: c.3134T>C, p.Leu1045Pro (NM_000267.4); short protein forms L1045P.
Identifiers: ClinVar variation 568810 (VCV000568810.6), dbSNP rs1567850142, ClinGen allele CA398987941.